The following is an entry in ClinVar:

ClinVar aggregate classification (germline): Uncertain significance (1 of 4 stars; one submission).

Conditions:
Cardiovascular phenotype. Identifiers: MedGen CN230736.

Submission:

Ambry Genetics
Classification: Uncertain significance for Cardiovascular phenotype. Last evaluated: 2022-04-23. Review status: criteria provided, single submitter. Criteria: Ambry Variant Classification Scheme 2023. Collection method: clinical testing. Allele origin: germline.
Comment: The p.K64R variant (also known as c.191A>G), located in coding exon 2 of the APOA1 gene, results from an A to G substitution at nucleotide position 191. The lysine at codon 64 is replaced by arginine, an amino acid with highly similar properties. This amino acid position is conserved. In addition, this alteration is predicted to be tolerated by in silico analysis. Since supporting evidence is limited at this time, the clinical significance of this alteration remains unclear.

NM_000039.3(APOA1):c.191A>G (p.Lys64Arg)

Genes: APOA1 (apolipoprotein A1; minus strand), APOA1-AS (APOA1 antisense RNA; plus strand). Cytogenetic location: 11q23.3.
Variant type: single nucleotide variant.
Coding change: c.191A>G on transcript NM_000039.3 (MANE Select); coding-DNA position 191, A replaced by G.
Protein change: p.Lys64Arg; replaces lysine 64 with arginine.
Molecular consequence: missense variant.
Genome position (GRCh38, 1-based): chr11:116,837,010, T>C on the plus strand (A>G on the coding strand, the complement: APOA1 is on the minus strand). VCF-style: chr11-116837010-T-C. GRCh37 (hg19) VCF-style: chr11-116707726-T-C.
Other names: c.191A>G, p.Lys64Arg (NM_001318017.2, NM_001318018.2); c.-137A>G (NM_001318021.2); short protein forms K64R.
Identifiers: ClinVar variation 1782630 (VCV001782630.2), dbSNP rs2540294515, ClinGen allele CA382718286.